The following is an entry in ClinVar:

ClinVar aggregate classification (germline): Uncertain significance (1 of 4 stars; one submission).

Allele frequency attached by ClinVar (database versions not stated): gnomAD exomes below 0.00001; TOPMed below 0.00001; gnomAD 0.00001.

Submission:

GeneDx
Classification: Uncertain significance. Last evaluated: 2019-10-04. Review status: criteria provided, single submitter. Criteria: GeneDx Variant Classification Process June 2021. Collection method: clinical testing. Allele origin: germline. Affected: yes.
Comment: Not observed in large population cohorts (Lek et al., 2016); In silico analysis, which includes protein predictors and evolutionary conservation, supports that this variant does not alter protein structure/function; Has not been previously published as pathogenic or benign to our knowledge

NM_001378452.1(ITPR1):c.1441G>A (p.Val481Ile)

Gene: ITPR1 (inositol 1,4,5-trisphosphate receptor type 1; plus strand). Cytogenetic location: 3p26.1.
Variant type: single nucleotide variant.
Coding change: c.1441G>A on transcript NM_001378452.1 (MANE Select); coding-DNA position 1441, G replaced by A.
Protein change: p.Val481Ile; replaces valine 481 with isoleucine.
Molecular consequence: missense variant.
Genome position (GRCh38, 1-based): chr3:4,663,093, G>A. VCF-style: chr3-4663093-G-A. GRCh37 (hg19) VCF-style: chr3-4704777-G-A.
Other names: c.1441G>A, p.Val481Ile (NM_001099952.4); c.1396G>A, p.Val466Ile (NM_001168272.2, NM_002222.7); short protein forms V466I, V481I.
Identifiers: ClinVar variation 1308921 (VCV001308921.2), dbSNP rs1297896832, ClinGen allele CA351641305.